The following is an entry in ClinVar:

NM_000393.5(COL5A2):c.2111T>C (p.Val704Ala)

Gene: COL5A2 (collagen type V alpha 2 chain; minus strand). Cytogenetic location: 2q32.2.
Variant type: single nucleotide variant.
Coding change: c.2111T>C on transcript NM_000393.5 (MANE Select); coding-DNA position 2111, T replaced by C.
Protein change: p.Val704Ala; replaces valine 704 with alanine.
Molecular consequence: missense variant.
Genome position (GRCh38, 1-based): chr2:189,058,868, A>G on the plus strand (T>C on the coding strand, the complement: COL5A2 is on the minus strand). VCF-style: chr2-189058868-A-G. GRCh37 (hg19) VCF-style: chr2-189923594-A-G.
Other names: short protein forms V704A.
Identifiers: ClinVar variation 408287 (VCV000408287.20), dbSNP rs542643688, ClinGen allele CA2022442.

ClinVar aggregate classification (germline): Conflicting classifications of pathogenicity. Review status: criteria provided, conflicting classifications (1 of 4 stars). 4 submissions from 4 submitters: Uncertain significance (1); Likely benign (3). Last evaluated 2026-03-04.

Conditions:
Ehlers-Danlos syndrome, classic type, 1 (EDSCL1). Also called: EHLERS-DANLOS SYNDROME, GRAVIS TYPE; EHLERS-DANLOS SYNDROME, SEVERE CLASSIC TYPE; Ehlers-Danlos Syndrome, Classic Type, COL5A1-Related; EDS I; Ehlers-Danlos syndrome, type 1. Identifiers: MedGen C0268335, MONDO:0019567, OMIM 130000.
Familial thoracic aortic aneurysm and aortic dissection (TAAD). Also called: Thoracic aortic aneurysms and dissections. Identifiers: Orphanet 91387, MedGen C4707243, MONDO:0019625.

Allele frequency attached by ClinVar (database versions not stated): gnomAD exomes 0.00003 and 0.00004; ExAC 0.00006; TOPMed 0.00022; gnomAD 0.00013; 1000 Genomes Project 0.00020; 1000 Genomes Project 30x 0.00031.
gnomAD v4.1: 63 of 1,613,200 alleles (0.0039%); highest among the groups gnomAD compares: African/African-American, 0.071%; no homozygotes.

Submissions (4):

Women's Health and Genetics/Laboratory Corporation of America, LabCorp
Classification: Likely benign. Last evaluated: 2026-03-04. Review status: criteria provided, single submitter. Criteria: LabCorp Variant Classification Summary - May 2015. Collection method: clinical testing. Allele origin: germline.
Comment: Variant summary: COL5A2 c.2111T>C (p.Val704Ala) results in a non-conservative amino acid change in the encoded protein sequence. Algorithms developed to predict the effect of missense changes on protein structure and function are either unavailable or do not agree on the potential impact of this missense change. The variant allele was found at a frequency of 3.9e-05 in 1613200 control chromosomes. The observed variant frequency exceeds the estimated maximal expected allele frequency for disease-causing variants in COL5A2. To our knowledge, no occurrence of c.2111T>C in individuals affected with COL5A2-related conditions and no experimental evidence demonstrating its impact on protein function have been reported. ClinVar contains an entry for this variant (Variation ID: 408287). Based on the evidence outlined above, the variant was classified as likely benign.

Ambry Genetics
Classification: Likely benign for Familial thoracic aortic aneurysm and aortic dissection. Last evaluated: 2026-01-14. Review status: criteria provided, single submitter. Criteria: Ambry Variant Classification Scheme 2023. Collection method: clinical testing. Allele origin: germline.

Labcorp Genetics (formerly Invitae), Labcorp
Classification: Likely benign for Ehlers-Danlos syndrome, classic type, 1. Last evaluated: 2026-01-14. Review status: criteria provided, single submitter. Criteria: Invitae Variant Classification Sherloc (09022015). Collection method: clinical testing. Allele origin: germline.

GeneDx
Classification: Uncertain significance. Last evaluated: 2025-01-21. Review status: criteria provided, single submitter. Criteria: GeneDx Variant Classification Process June 2021. Collection method: clinical testing. Allele origin: germline. Affected: yes.
Comment: Has not been previously published as pathogenic or benign to our knowledge; In silico analysis indicates that this missense variant does not alter protein structure/function